The following is an entry in ClinVar:

ClinVar aggregate classification (germline): Likely pathogenic. Review status: criteria provided, single submitter (1 of 4 stars). 2 submissions from 2 submitters: Likely pathogenic (1). 1 of the submissions does not count toward it. Last evaluated 2019-02-27.

Conditions:
Glycosylphosphatidylinositol biosynthesis defect 18. Also called: DEVELOPMENTAL AND EPILEPTIC ENCEPHALOPATHY 95. Identifiers: MedGen C4748357, MONDO:0029140, OMIM 618143.

Submissions (2):

SIB Swiss Institute of Bioinformatics
Classification: Likely pathogenic for Glycosylphosphatidylinositol biosynthesis defect 18. Last evaluated: 2019-02-27. Review status: criteria provided, single submitter. Criteria: ACMG Guidelines, 2015. Collection method: curation. Allele origin: unknown.
Comment: This variant is interpreted as a Likely pathogenic for Glycosylphosphatidylinositol biosynthesis defect 18, autosomal recessive. The following ACMG Tag(s) were applied: PM2, PP3, PM3, PS3-Moderate.

OMIM
Classification: Pathogenic for DEVELOPMENTAL AND EPILEPTIC ENCEPHALOPATHY 95. Last evaluated: 2021-05-21. Review status: no assertion criteria provided. Collection method: literature only. Allele origin: germline. Not counted in ClinVar's aggregate classification.

Literature cited by the submitters: PubMed 30269814 (cited by SIB Swiss Institute of Bioinformatics and OMIM).

NM_033198.4(PIGS):c.101T>C (p.Leu34Pro)

Gene: PIGS (phosphatidylinositol glycan anchor biosynthesis class S; minus strand). Cytogenetic location: 17q11.2.
Variant type: single nucleotide variant.
Coding change: c.101T>C on transcript NM_033198.4 (MANE Select); coding-DNA position 101, T replaced by C.
Protein change: p.Leu34Pro; replaces leucine 34 with proline.
Molecular consequence: missense variant.
Genome position (GRCh38, 1-based): chr17:28,571,122, A>G on the plus strand (T>C on the coding strand, the complement: PIGS is on the minus strand). VCF-style: chr17-28571122-A-G. GRCh37 (hg19) VCF-style: chr17-26898140-A-G.
Other names: short protein forms L34P.
Identifiers: ClinVar variation 585254 (VCV000585254.4), dbSNP rs1567618413, ClinGen allele CA398361725.
Genomic context (GRCh38, chr17:28,571,122, plus strand): 5'-AGGCCACTGATCTGGGAGTAAGGCAACGAGGCCCGGTAGGTCTCCGTGGTCTTCCACCAG[A>G]GCGGTAGCCCCAGCACGATGGCCACCGCAGCGAAGAAGAGGGCGGCGCGCTTGCCCCGGG-3'
Protein context (NP_149975.1, residues 24-44): AAVAIVLGLP[Leu34Pro]WWKTTETYRA